The following is an entry in ClinVar:

NM_000165.5(GJA1):c.676A>G (p.Ile226Val)

Gene: GJA1 (gap junction protein alpha 1; plus strand). Cytogenetic location: 6q22.31.
Variant type: single nucleotide variant.
Coding change: c.676A>G on transcript NM_000165.5 (MANE Select); coding-DNA position 676, A replaced by G.
Protein change: p.Ile226Val; replaces isoleucine 226 with valine.
Molecular consequence: missense variant.
Genome position (GRCh38, 1-based): chr6:121,447,523, A>G. VCF-style: chr6-121447523-A-G. GRCh37 (hg19) VCF-style: chr6-121768669-A-G.
Other names: short protein forms I226V.
Identifiers: ClinVar variation 2632485 (VCV002632485.2), dbSNP rs1278010288, ClinGen allele CA365559541.

ClinVar aggregate classification (germline): Uncertain significance (1 of 4 stars; one submission).

Conditions:
GJA1-related disorder. Also called: GJA1-related condition.

Allele frequency attached by ClinVar (database versions not stated): gnomAD exomes below 0.00001; gnomAD 0.00001; TOPMed 0.00001.
gnomAD v4.1: 8 of 1,613,754 alleles (0.0005%); highest among the groups gnomAD compares: Non-Finnish European, 0.00068%; no homozygotes.

Submission:

PreventionGenetics, part of Exact Sciences
Classification: Uncertain significance for GJA1-related condition. Last evaluated: 2026-01-12. Review status: criteria provided, single submitter. Criteria: ACMG Guidelines, 2015. Collection method: clinical testing. Allele origin: germline.
Comment: The GJA1 c.676A>G variant is predicted to result in the amino acid substitution p.Ile226Val. To our knowledge, this variant has not been reported in the literature or in a large population database (gnomAD), indicating this variant is rare. At this time, the clinical significance of this variant is uncertain due to the absence of conclusive functional and genetic evidence.